The following is an entry in ClinVar:

ClinVar aggregate classification (germline): Conflicting classifications of pathogenicity. Review status: criteria provided, conflicting classifications (1 of 4 stars). 2 submissions from 2 submitters: Likely pathogenic (1); Uncertain significance (1). Last evaluated 2023-08-21.

Conditions:
Retinitis pigmentosa 3. Also called: CHOROIDORETINAL DEGENERATION WITH RETINAL REFLEX IN HETEROZYGOUS WOMEN. Identifiers: Orphanet 791, MedGen C1845667, MONDO:0010227, OMIM 300029.

Submissions (3):

MVZ Martinsried, Medicover Genetics
Classification: Likely pathogenic for Retinitis pigmentosa 3. Last evaluated: 2023-08-21. Review status: criteria provided, single submitter. Criteria: ACGS Guidelines, 2020. Collection method: clinical testing. Allele origin: unknown. Affected: yes.

GeneDx
Classification: Uncertain significance. Last evaluated: 2023-07-27. Review status: criteria provided, single submitter. Criteria: GeneDx Variant Classification Process June 2021. Collection method: clinical testing. Allele origin: germline. Affected: yes.
Comment: Not observed at significant frequency in large population cohorts (gnomAD); In silico analysis supports that this missense variant has a deleterious effect on protein structure/function; This variant is associated with the following publications: (PMID: 28838317)

Dr. Peter K. Rogan Lab, Western University
No classification provided (evidence only). Condition: Thyroid cancer, nonmedullary, 1. Review status: no classification provided. Collection method: in vitro. Allele origin: not applicable. Functional consequence: retained intron. Not counted in ClinVar's aggregate classification.

NM_001034853.2(RPGR):c.197A>G (p.Gln66Arg)

Gene: RPGR (retinitis pigmentosa GTPase regulator; minus strand). Cytogenetic location: Xp11.4.
Variant type: single nucleotide variant.
Coding change: c.197A>G on transcript NM_001034853.2 (MANE Select); coding-DNA position 197, A replaced by G.
Protein change: p.Gln66Arg; replaces glutamine 66 with arginine.
Molecular consequence: missense variant. On other transcripts: non-coding transcript variant (6).
Genome position (GRCh38, 1-based): chrX:38,322,903, T>C on the plus strand (A>G on the coding strand, the complement: RPGR is on the minus strand). VCF-style: chrX-38322903-T-C. GRCh37 (hg19) VCF-style: chrX-38182156-T-C.
Other names: NC_000023.10:g.38182156T>C; c.197A>G, p.Gln66Arg (NM_000328.3, NM_001367245.1, NM_001367246.1 and 4 more transcripts); c.227A>G, p.Gln76Arg (NM_001367248.1); c.197A>G (NM_001034853.1); short protein forms Q66R, Q76R.
Identifiers: ClinVar variation 2683981 (VCV002683981.3), dbSNP rs2519909444, ClinGen allele CA412745607.